The following is an entry in ClinVar:

ClinVar aggregate classification (germline): Conflicting classifications of pathogenicity. Review status: criteria provided, conflicting classifications (1 of 4 stars). 4 submissions from 4 submitters: Uncertain significance (1); Likely benign (3). Last evaluated 2026-02-02.

Conditions:
Congenital ichthyosis of skin. Identifiers: MedGen C0020758.

Allele frequency attached by ClinVar (database versions not stated): ESP Exome Variant Server 0.00031; gnomAD 0.00045; TOPMed 0.00046; gnomAD exomes 0.00066; 1000 Genomes Project 0.00120; 1000 Genomes Project 30x 0.00125.
gnomAD v4.1: 1,033 of 1,611,634 alleles (0.064%); highest among the groups gnomAD compares: South Asian, 0.13%; 4 homozygotes.

Submissions (4):

Labcorp Genetics (formerly Invitae), Labcorp
Classification: Likely benign. Last evaluated: 2026-02-02. Review status: criteria provided, single submitter. Criteria: Invitae Variant Classification Sherloc (09022015). Collection method: clinical testing. Allele origin: germline.

CeGaT Center for Human Genetics Tuebingen
Classification: Likely benign. Last evaluated: 2026-01-01. Review status: criteria provided, single submitter. Criteria: CeGaT Center For Human Genetics Tuebingen Variant Classification Criteria Version 2. Collection method: clinical testing. Allele origin: germline. Affected: yes. Observed: 3 variant alleles.
Comment: ABCA12: BP4, BP7

Blueprint Genetics
Classification: Likely benign. Last evaluated: 2024-11-20. Review status: criteria provided, single submitter. Criteria: ACMG Guidelines, 2015. Collection method: clinical testing. Allele origin: germline.

Illumina Laboratory Services, Illumina
Classification: Uncertain significance for Congenital ichthyosis of skin. Last evaluated: 2018-01-13. Review status: criteria provided, single submitter. Criteria: ICSL Variant Classification Criteria 13 December 2019. Collection method: clinical testing. Allele origin: germline.

NM_173076.3(ABCA12):c.1296A>G (p.Gln432=)

Gene: ABCA12 (ATP binding cassette subfamily A member 12; minus strand). Cytogenetic location: 2q35.
Variant type: single nucleotide variant.
Coding change: c.1296A>G on transcript NM_173076.3 (MANE Select); coding-DNA position 1296, A replaced by G.
Protein change: p.Gln432=; no amino-acid change (glutamine 432 retained).
Molecular consequence: synonymous variant. On other transcripts: non-coding transcript variant (1).
Genome position (GRCh38, 1-based): chr2:215,019,788, T>C on the plus strand (A>G on the coding strand, the complement: ABCA12 is on the minus strand). VCF-style: chr2-215019788-T-C. GRCh37 (hg19) VCF-style: chr2-215884512-T-C.
Other names: c.342A>G, p.Gln114= (NM_015657.4).
Identifiers: ClinVar variation 334268 (VCV000334268.56), dbSNP rs149243979, ClinGen allele CA2092251.